The following is an entry in ClinVar:

NM_002528.7(NTHL1):c.301C>T (p.Pro101Ser)

Gene: NTHL1 (nth like DNA glycosylase 1; minus strand). Cytogenetic location: 16p13.3.
Variant type: single nucleotide variant.
Coding change: c.301C>T on transcript NM_002528.7 (MANE Select); coding-DNA position 301, C replaced by T.
Protein change: p.Pro101Ser; replaces proline 101 with serine.
Molecular consequence: missense variant. On other transcripts: intron variant (1).
Genome position (GRCh38, 1-based): chr16:2,046,181, G>A on the plus strand (C>T on the coding strand, the complement: NTHL1 is on the minus strand). VCF-style: chr16-2046181-G-A. GRCh37 (hg19) VCF-style: chr16-2096182-G-A.
Other names: c.325C>T (NM_002528.5); c.301C>T, p.Pro101Ser (NM_001318193.2); c.24+99C>T (NM_001318194.2); short protein forms P101S.
Identifiers: ClinVar variation 1472405 (VCV001472405.8), dbSNP rs2084366760, ClinGen allele CA394295510.
Genomic context (GRCh38, chr16:2,046,181, plus strand): 5'-TGCCTACCTTTGGGGGGGCACTGGAGTCATAGCAGTGCTCAGTCCCCAGATGGTCCACAG[G>A]TGCATCCTTTTTGTTCCTCATGGCACGGATGTTGACCAGCTGTTGCTGCCAGTCCTGGGG-3'
Protein context (NP_002519.2, residues 91-111): IRAMRNKKDA[Pro101Ser]VDHLGTEHCY

ClinVar aggregate classification (germline): Uncertain significance. Review status: criteria provided, multiple submitters, no conflicts (2 of 4 stars). 2 submissions from 2 submitters: Uncertain significance (2). Last evaluated 2023-05-28.

Conditions:
Hereditary cancer-predisposing syndrome. Also called: Neoplastic Syndromes, Hereditary; Hereditary Cancer Syndrome; Tumor predisposition; Hereditary neoplastic syndrome. Identifiers: Orphanet 140162, MedGen C0027672, MeSH D009386, MONDO:0015356.

Allele frequency attached by ClinVar (database versions not stated): gnomAD exomes below 0.00001.

Submissions (2):

Ambry Genetics
Classification: Uncertain significance for Hereditary cancer-predisposing syndrome. Last evaluated: 2023-05-28. Review status: criteria provided, single submitter. Criteria: Ambry Variant Classification Scheme 2023. Collection method: clinical testing. Allele origin: germline.
Comment: The p.P109S variant (also known as c.325C>T), located in coding exon 2 of the NTHL1 gene, results from a C to T substitution at nucleotide position 325. The proline at codon 109 is replaced by serine, an amino acid with similar properties. This amino acid position is conserved. In addition, this alteration is predicted to be deleterious by in silico analysis. Since supporting evidence is limited at this time, the clinical significance of this alteration remains unclear.

Labcorp Genetics (formerly Invitae), Labcorp
Classification: Uncertain significance. Last evaluated: 2020-12-15. Review status: criteria provided, single submitter. Criteria: Invitae Variant Classification Sherloc (09022015). Collection method: clinical testing. Allele origin: germline.
Comment: This sequence change replaces proline with serine at codon 109 of the NTHL1 protein (p.Pro109Ser). The proline residue is highly conserved and there is a moderate physicochemical difference between proline and serine. This variant is not present in population databases (ExAC no frequency). This variant has not been reported in the literature in individuals with NTHL1-related conditions. In summary, the available evidence is currently insufficient to determine the role of this variant in disease. Therefore, it has been classified as a Variant of Uncertain Significance. Algorithms developed to predict the effect of missense changes on protein structure and function are either unavailable or do not agree on the potential impact of this missense change (SIFT: "Not Available"; PolyPhen-2: "Probably Damaging"; Align-GVGD: "Not Available").